The following is an entry in ClinVar:

NM_004329.3(BMPR1A):c.483dup (p.Val162fs)

Gene: BMPR1A (bone morphogenetic protein receptor type 1A; plus strand). Cytogenetic location: 10q23.2.
Variant type: Duplication.
Coding change: c.483dup on transcript NM_004329.3 (MANE Select); coding-DNA position 483, one base duplicated (T; older notation c.483dupT).
Protein change: p.Val162fs; shifts the reading frame from valine 162.
Molecular consequence: frameshift variant. On other transcripts: non-coding transcript variant (3), intron variant (1).
Genome position (GRCh38, 1-based): chr10:86,900,079, T duplicated. VCF-style (leftmost placement, unchanged base first): chr10-86900078-C-CT. GRCh37 (hg19) VCF-style: chr10-88659835-C-CT.
Other names: c.483dup, p.Val162fs (NM_001406559.1, NM_001406560.1, NM_001406561.1 and 22 more transcripts); c.399dup, p.Val134fs (NM_001406584.1, NM_001406585.1, NM_001406586.1 and 2 more transcripts); c.333+7850dup (NM_001406589.1); short protein forms V162fs, V134fs.
Identifiers: ClinVar variation 2812455 (VCV002812455.3), dbSNP rs2539494661, ClinGen allele CA2739275870.

ClinVar aggregate classification (germline): Pathogenic (1 of 4 stars; one submission).

Conditions:
Juvenile polyposis syndrome (JPS). Identifiers: Orphanet 2929, MedGen C0345893, MONDO:0017380, OMIM 174900.

Submission:

Labcorp Genetics (formerly Invitae), Labcorp
Classification: Pathogenic for Juvenile polyposis syndrome. Last evaluated: 2022-11-06. Review status: criteria provided, single submitter. Criteria: Invitae Variant Classification Sherloc (09022015). Collection method: clinical testing. Allele origin: germline.
Comment: For these reasons, this variant has been classified as Pathogenic. This variant has not been reported in the literature in individuals affected with BMPR1A-related conditions. This variant is not present in population databases (gnomAD no frequency). This sequence change creates a premature translational stop signal (p.Val162Cysfs*31) in the BMPR1A gene. It is expected to result in an absent or disrupted protein product. Loss-of-function variants in BMPR1A are known to be pathogenic (PMID: 11536076, 12417513).

Literature cited by the submitters: PubMed 11536076; PubMed 12417513.